The following is an entry in ClinVar:

ClinVar aggregate classification (germline): Likely benign (1 of 4 stars; one submission).

Conditions:
Desmosterolosis. Identifiers: Orphanet 35107, MedGen C1865596, MONDO:0011217, OMIM 602398.

Allele frequency attached by ClinVar (database versions not stated): gnomAD 0.00318 and 0.00323; 1000 Genomes Project 0.00359; 1000 Genomes Project 30x 0.00375; TOPMed 0.00385.

Submission:

Illumina Laboratory Services, Illumina
Classification: Likely benign for Desmosterolosis. Last evaluated: 2018-01-13. Review status: criteria provided, single submitter. Criteria: ICSL Variant Classification Criteria 13 December 2019. Collection method: clinical testing. Allele origin: germline.
Comment: This variant was observed in the ICSL laboratory as part of a predisposition screen in an ostensibly healthy population. It had not been previously curated by ICSL or reported in the Human Gene Mutation Database (HGMD: prior to June 1st, 2018), and was therefore a candidate for classification through an automated scoring system. Utilizing variant allele frequency, disease prevalence and penetrance estimates, and inheritance mode, an automated score was calculated to assess if this variant is too frequent to cause the disease. Based on the score and internal cut-off values, a variant classified as likely benign is not then subjected to further curation. The score for this variant resulted in a classification of likely benign for this disease.

NM_014762.4(DHCR24):c.*2442G>T

Gene: DHCR24 (24-dehydrocholesterol reductase; minus strand). Cytogenetic location: 1p32.3.
Variant type: single nucleotide variant.
Coding change: c.*2442G>T on transcript NM_014762.4 (MANE Select); 2442 bases downstream of the stop codon, G replaced by T.
Molecular consequence: 3 prime UTR variant.
Genome position (GRCh38, 1-based): chr1:54,849,791, C>A on the plus strand (G>T on the coding strand, the complement: DHCR24 is on the minus strand). VCF-style: chr1-54849791-C-A. GRCh37 (hg19) VCF-style: chr1-55315464-C-A.
Identifiers: ClinVar variation 297616 (VCV000297616.5), dbSNP rs115017311, ClinGen allele CA10610448.